The following is an entry in ClinVar:

NM_000059.4(BRCA2):c.8405C>G (p.Pro2802Arg)

Gene: BRCA2 (BRCA2 DNA repair associated; plus strand). Cytogenetic location: 13q13.1.
Variant type: single nucleotide variant.
Coding change: c.8405C>G on transcript NM_000059.4 (MANE Select); coding-DNA position 8405, C replaced by G.
Protein change: p.Pro2802Arg; replaces proline 2802 with arginine.
Molecular consequence: missense variant. On other transcripts: non-coding transcript variant (1).
Genome position (GRCh38, 1-based): chr13:32,370,475, C>G. VCF-style: chr13-32370475-C-G. GRCh37 (hg19) VCF-style: chr13-32944612-C-G.
Other names: P2802R; c.8309C>G, p.Pro2770Arg (NM_001406719.1); c.8405C>G, p.Pro2802Arg (NM_001406720.1); c.3473C>G, p.Pro1158Arg (NM_001406721.1); c.1988C>G, p.Pro663Arg (NM_001406722.1); short protein forms P1158R, P2770R, P663R.
Identifiers: ClinVar variation 91513 (VCV000091513.8), dbSNP rs398122606, ClinGen allele CA025628.

ClinVar aggregate classification (germline): Conflicting classifications of pathogenicity. Review status: criteria provided, conflicting classifications (1 of 4 stars). 3 submissions from 3 submitters: Uncertain significance (1); Likely benign (1). 1 of the submissions does not count toward it. Last evaluated 2025-05-08.

Conditions:
Hereditary breast ovarian cancer syndrome. Also called: Breast and ovarian cancer; Hereditary breast and ovarian cancer; Hereditary breast and ovarian cancer syndrome; BRCA1- and BRCA2-Associated Hereditary Breast and Ovarian Cancer; Hereditary breast and ovarian cancer syndrome (HBOC); Hereditary breast and/or ovarian cancer syndrome. Identifiers: Orphanet 145, MedGen C0677776, MeSH D061325, MONDO:0003582. Disease mechanism: loss of function.
Hereditary cancer-predisposing syndrome. Also called: Tumor predisposition; Hereditary Cancer Syndrome; Neoplastic Syndromes, Hereditary; Hereditary neoplastic syndrome. Identifiers: Orphanet 140162, MedGen C0027672, MeSH D009386, MONDO:0015356.
Breast-ovarian cancer, familial, susceptibility to, 2 (BROVCA2). Also called: BRCA2 Hereditary Breast and Ovarian Cancer. Identifiers: Orphanet 145, MedGen C2675520, MONDO:0012933, OMIM 612555. Disease mechanism: loss of function.

Submissions (3):

Ambry Genetics
Classification: Likely benign for Hereditary cancer-predisposing syndrome. Last evaluated: 2025-05-08. Review status: criteria provided, single submitter. Criteria: Ambry Variant Classification Scheme 2023. Collection method: clinical testing. Allele origin: germline.

Labcorp Genetics (formerly Invitae), Labcorp
Classification: Uncertain significance for Hereditary breast ovarian cancer syndrome. Last evaluated: 2023-06-14. Review status: criteria provided, single submitter. Criteria: Invitae Variant Classification Sherloc (09022015). Collection method: clinical testing. Allele origin: germline.
Comment: ClinVar contains an entry for this variant (Variation ID: 91513). Advanced modeling of protein sequence and biophysical properties (such as structural, functional, and spatial information, amino acid conservation, physicochemical variation, residue mobility, and thermodynamic stability) performed at Invitae indicates that this missense variant is not expected to disrupt BRCA2 protein function. In summary, the available evidence is currently insufficient to determine the role of this variant in disease. Therefore, it has been classified as a Variant of Uncertain Significance. This variant has not been reported in the literature in individuals affected with BRCA2-related conditions. This sequence change replaces proline, which is neutral and non-polar, with arginine, which is basic and polar, at codon 2802 of the BRCA2 protein (p.Pro2802Arg). This variant is not present in population databases (gnomAD no frequency).

Sharing Clinical Reports Project (SCRP)
Classification: Uncertain significance for Breast-ovarian cancer, familial 2. Last evaluated: 2010-09-01. Review status: no assertion criteria provided. Collection method: clinical testing. Allele origin: germline. Not counted in ClinVar's aggregate classification.